The following is an entry in ClinVar:

ClinVar aggregate classification (germline): Uncertain significance. Review status: criteria provided, multiple submitters, no conflicts (2 of 4 stars). 2 submissions from 2 submitters: Uncertain significance (2). Last evaluated 2025-07-03.

Conditions:
Catecholaminergic polymorphic ventricular tachycardia 1. Also called: VENTRICULAR TACHYCARDIA, STRESS-INDUCED POLYMORPHIC 1; VENTRICULAR TACHYCARDIA, CATECHOLAMINERGIC POLYMORPHIC, 1, WITH OR WITHOUT ATRIAL DYSFUNCTION AND/OR DILATED CARDIOMYOPATHY; RYR2-Related Catecholaminergic Polymorphic Ventricular Tachycardia. Identifiers: Orphanet 3286, MedGen C1631597, MONDO:0011484, OMIM 604772.
Cardiovascular phenotype. Identifiers: MedGen CN230736.

Allele frequency attached by ClinVar (database versions not stated): gnomAD 0.00001; gnomAD exomes 0.00003.
gnomAD v4.1: 3 of 1,327,306 alleles (0.00023%); highest among the groups gnomAD compares: Admixed American, 0.004%; no homozygotes.

Submissions (2):

Ambry Genetics
Classification: Uncertain significance for Cardiovascular phenotype. Last evaluated: 2025-07-03. Review status: criteria provided, single submitter. Criteria: Ambry Variant Classification Scheme 2023. Collection method: clinical testing. Allele origin: germline.
Comment: The c.1805-2A>G intronic variant results from an A to G substitution two nucleotides upstream from coding exon 34 in the TRDN gene. This nucleotide position is highly conserved in available vertebrate species. In silico splice site analysis predicts that this alteration will weaken the native splice acceptor site and will result in the creation or strengthening of a novel splice acceptor site. Alterations that disrupt the canonical splice site are expected to cause aberrant splicing, resulting in an abnormal protein or a transcript that is subject to nonsense-mediated mRNA decay. However, this alteration does not impact the predominant cardiac isoform ofTRDN(NM_001256021.1; Kobayashi YM et al. J. Biol. Chem., 1999 Oct;274:28660-8). Since supporting evidence is limited at this time, the clinical significance of this alteration remains unclear.

Labcorp Genetics (formerly Invitae), Labcorp
Classification: Uncertain significance for Catecholaminergic polymorphic ventricular tachycardia 1. Last evaluated: 2022-07-12. Review status: criteria provided, single submitter. Criteria: Invitae Variant Classification Sherloc (09022015). Collection method: clinical testing. Allele origin: germline.
Comment: This sequence change affects an acceptor splice site in intron 33 of the TRDN gene. However, it is currently unclear if variants that occur in this region of the gene cause disease. This variant is present in population databases (no rsID available, gnomAD 0.03%). This variant has not been reported in the literature in individuals affected with TRDN-related conditions. ClinVar contains an entry for this variant (Variation ID: 1066026). Algorithms developed to predict the effect of sequence changes on RNA splicing suggest that this variant may disrupt the consensus splice site. In summary, the available evidence is currently insufficient to determine the role of this variant in disease. Therefore, it has been classified as a Variant of Uncertain Significance.

NM_006073.4(TRDN):c.1805-2A>G

Gene: TRDN (triadin; minus strand). Cytogenetic location: 6q22.31.
Variant type: single nucleotide variant.
Coding change: c.1805-2A>G on transcript NM_006073.4 (MANE Select); the canonical splice acceptor site of the intron before coding-DNA position 1805, A replaced by G.
Molecular consequence: splice acceptor variant.
Genome position (GRCh38, 1-based): chr6:123,260,640, T>C on the plus strand (A>G on the coding strand, the complement: TRDN is on the minus strand). VCF-style: chr6-123260640-T-C. GRCh37 (hg19) VCF-style: chr6-123581785-T-C.
Other names: c.1805-2A>G (NM_006073.2).
Identifiers: ClinVar variation 1066026 (VCV001066026.8), dbSNP rs1417676099, ClinGen allele CA365563795.
Genomic context (GRCh38, chr6:123,260,640, plus strand): 5'-ATCTTATCTCCTCTGAAAAAGTAAATATTTACCTGATTCTGTGACTTCTGATGTTCCTTC[T>C]TTAGAAAAAAAAAAAAAAAGAATGTAGAAAGAAAGGAAAAAAAATAAAAAGAAAAAGTAT-3'